The following is an entry in ClinVar:

NM_002618.4(PEX13):c.92+26G>C

Genes: PEX13 (peroxisomal biogenesis factor 13; plus strand), PUS10 (pseudouridine synthase 10; minus strand). Cytogenetic location: 2p15.
Variant type: single nucleotide variant.
Coding change: c.92+26G>C on transcript NM_002618.4 (MANE Select); 26 bases into the intron after coding-DNA position 92, G replaced by C.
Molecular consequence: intron variant.
Genome position (GRCh38, 1-based): chr2:61,017,877, G>C. VCF-style: chr2-61017877-G-C. GRCh37 (hg19) VCF-style: chr2-61245012-G-C.
Other names: p.?; c.-16+131C>G (NM_144709.4); c.-623+131C>G (NM_001322127.1).
Identifiers: ClinVar variation 4684572 (VCV004684572.1).

ClinVar aggregate classification (germline): Likely benign (1 of 4 stars; one submission).

gnomAD v4.1: 190 of 1,544,348 alleles (0.012%); highest among the groups gnomAD compares: Non-Finnish European, 0.016%; no homozygotes.

Submission:

Mayo Clinic Laboratories, Mayo Clinic
Classification: Likely benign. Last evaluated: 2025-05-14. Review status: criteria provided, single submitter. Criteria: ACMG Guidelines, 2015. Collection method: clinical testing. Allele origin: germline. Observed: 1 variant allele.
Comment: BP4, BP7